The following is an entry in ClinVar:

NM_006796.3(AFG3L2):c.1651C>T (p.Arg551Ter)

Gene: AFG3L2 (AFG3 like matrix AAA peptidase subunit 2; minus strand). Cytogenetic location: 18p11.21.
Variant type: single nucleotide variant.
Coding change: c.1651C>T on transcript NM_006796.3 (MANE Select); coding-DNA position 1651, C replaced by T.
Protein change: p.Arg551Ter; replaces arginine 551 with a stop codon.
Molecular consequence: nonsense.
Genome position (GRCh38, 1-based): chr18:12,348,285, G>A on the plus strand (C>T on the coding strand, the complement: AFG3L2 is on the minus strand). VCF-style: chr18-12348285-G-A. GRCh37 (hg19) VCF-style: chr18-12348284-G-A.
Other names: short protein forms R551*.
Identifiers: ClinVar variation 3251301 (VCV003251301.1), dbSNP rs149121681.

ClinVar aggregate classification (germline): Pathogenic (1 of 4 stars; one submission).

Conditions:
Spinocerebellar ataxia type 28 (SCA28). Also called: Spinocerebellar Ataxia Type 28 (SCA28). Identifiers: Orphanet 101109, MedGen C1853249, MONDO:0012450, OMIM 610246.

Allele frequency attached by ClinVar (database versions not stated): gnomAD 0.00001; TOPMed 0.00001; ESP Exome Variant Server 0.00008.

Submission:

Women's Health and Genetics/Laboratory Corporation of America, LabCorp
Classification: Pathogenic for Spinocerebellar ataxia type 28. Last evaluated: 2024-04-29. Review status: criteria provided, single submitter. Criteria: LabCorp Variant Classification Summary - May 2015. Collection method: clinical testing. Allele origin: germline.
Comment: Variant summary: AFG3L2 c.1651C>T (p.Arg551X) results in a premature termination codon, predicted to cause a truncation of the encoded protein or absence of the protein due to nonsense mediated decay, which are commonly known mechanisms for disease. The variant allele was found at a frequency of 1.2e-05 in 251414 control chromosomes. To our knowledge, no occurrence of c.1651C>T in individuals affected with Spinocerebellar Ataxia Type 28 or other AFG3L2-related disorders and no experimental evidence demonstrating its impact on protein function have been reported. No submitters have cited clinical-significance assessments for this variant to ClinVar. Based on the evidence outlined above, the variant was classified as pathogenic.